The following is an entry in ClinVar:

NM_004370.6(COL12A1):c.6026C>T (p.Ser2009Leu)

Gene: COL12A1 (collagen type XII alpha 1 chain; minus strand). Cytogenetic location: 6q13.
Variant type: single nucleotide variant.
Coding change: c.6026C>T on transcript NM_004370.6 (MANE Select); coding-DNA position 6026, C replaced by T.
Protein change: p.Ser2009Leu; replaces serine 2009 with leucine.
Molecular consequence: missense variant.
Genome position (GRCh38, 1-based): chr6:75,130,893, G>A on the plus strand (C>T on the coding strand, the complement: COL12A1 is on the minus strand). VCF-style: chr6-75130893-G-A. GRCh37 (hg19) VCF-style: chr6-75840609-G-A.
Other names: c.2534C>T, p.Ser845Leu (NM_080645.3); short protein forms S2009L, S845L.
Identifiers: ClinVar variation 475882 (VCV000475882.11), dbSNP rs776981761, ClinGen allele CA3892930.

ClinVar aggregate classification (germline): Uncertain significance. Review status: criteria provided, multiple submitters, no conflicts (2 of 4 stars). 3 submissions from 3 submitters: Uncertain significance (3). Last evaluated 2026-03-16.

Conditions:
Inborn genetic diseases. Identifiers: MedGen C0950123, MeSH D030342.
Ullrich congenital muscular dystrophy 2 (UCMD2). Identifiers: Orphanet 75840, MedGen C4225314, MONDO:0014654, OMIM 616470.
Bethlem myopathy 2 (BTHLM2). Identifiers: Orphanet 536516, Orphanet 610, MedGen C4225313, MONDO:0034022, OMIM 616471.

Allele frequency attached by ClinVar (database versions not stated): gnomAD exomes below 0.00001 and 0.00002; gnomAD 0.00001; ExAC 0.00002.
gnomAD v4.1: 7 of 1,613,938 alleles (0.00043%); highest among the groups gnomAD compares: Non-Finnish European, 0.00059%; no homozygotes.

Submissions (3):

Women's Health and Genetics/Laboratory Corporation of America, LabCorp
Classification: Uncertain significance. Last evaluated: 2026-03-16. Review status: criteria provided, single submitter. Criteria: LabCorp Variant Classification Summary - May 2015. Collection method: clinical testing. Allele origin: germline.
Comment: Variant summary: COL12A1 c.6026C>T (p.Ser2009Leu) results in a non-conservative amino acid change in the encoded protein sequence. Algorithms developed to predict the effect of missense changes on protein structure and function are either unavailable or do not agree on the potential impact of this missense change. The variant allele was found at a frequency of 1.6e-05 in 249380 control chromosomes. The available data on variant occurrences in the general population are insufficient to allow any conclusion about variant significance. To our knowledge, no occurrence of c.6026C>T in individuals affected with COL12A1-related conditions and no experimental evidence demonstrating its impact on protein function have been reported. ClinVar contains an entry for this variant (Variation ID: 475882). Based on the evidence outlined above, the variant was classified as uncertain significance.

Labcorp Genetics (formerly Invitae), Labcorp
Classification: Uncertain significance for Bethlem myopathy 2; Ullrich congenital muscular dystrophy 2. Last evaluated: 2025-07-21. Review status: criteria provided, single submitter. Criteria: Invitae Variant Classification Sherloc (09022015). Collection method: clinical testing. Allele origin: germline.
Comment: This sequence change replaces serine, which is neutral and polar, with leucine, which is neutral and non-polar, at codon 2009 of the COL12A1 protein (p.Ser2009Leu). This variant is present in population databases (rs776981761, gnomAD 0.004%). This variant has not been reported in the literature in individuals affected with COL12A1-related conditions. ClinVar contains an entry for this variant (Variation ID: 475882). Invitae Evidence Modeling of protein sequence and biophysical properties (such as structural, functional, and spatial information, amino acid conservation, physicochemical variation, residue mobility, and thermodynamic stability) indicates that this missense variant is not expected to disrupt COL12A1 protein function with a negative predictive value of 80%. In summary, the available evidence is currently insufficient to determine the role of this variant in disease. Therefore, it has been classified as a Variant of Uncertain Significance.

Ambry Genetics
Classification: Uncertain significance for Inborn genetic diseases. Last evaluated: 2024-02-06. Review status: criteria provided, single submitter. Criteria: Ambry Variant Classification Scheme 2023. Collection method: clinical testing. Allele origin: germline.